The following is an entry in ClinVar:

ClinVar aggregate classification (germline): Uncertain significance. Review status: criteria provided, multiple submitters, no conflicts (2 of 4 stars). 2 submissions from 2 submitters: Uncertain significance (2). Last evaluated 2025-11-03.

Conditions:
Inborn genetic diseases. Identifiers: MedGen C0950123, MeSH D030342.

Allele frequency attached by ClinVar (database versions not stated): gnomAD exomes below 0.00001; ExAC 0.00001; gnomAD 0.00001; TOPMed 0.00001.
gnomAD v4.1: 7 of 1,612,996 alleles (0.00043%); highest among the groups gnomAD compares: Non-Finnish European, 0.00059%; no homozygotes.

Submissions (2):

Ambry Genetics
Classification: Uncertain significance for Inborn genetic diseases. Last evaluated: 2025-11-03. Review status: criteria provided, single submitter. Criteria: Ambry Variant Classification Scheme 2023. Collection method: clinical testing. Allele origin: germline.

GeneDx
Classification: Uncertain significance. Last evaluated: 2024-01-23. Review status: criteria provided, single submitter. Criteria: GeneDx Variant Classification Process June 2021. Collection method: clinical testing. Allele origin: germline. Affected: yes.
Comment: Not observed at significant frequency in large population cohorts (gnomAD); In silico analysis supports that this missense variant has a deleterious effect on protein structure/function; Has not been previously published as pathogenic or benign to our knowledge

NM_198578.4(LRRK2):c.3758C>G (p.Ser1253Cys)

Gene: LRRK2 (leucine rich repeat kinase 2; plus strand). Cytogenetic location: 12q12.
Variant type: single nucleotide variant.
Coding change: c.3758C>G on transcript NM_198578.4 (MANE Select); coding-DNA position 3758, C replaced by G.
Protein change: p.Ser1253Cys; replaces serine 1253 with cysteine.
Molecular consequence: missense variant.
Genome position (GRCh38, 1-based): chr12:40,304,115, C>G. VCF-style: chr12-40304115-C-G. GRCh37 (hg19) VCF-style: chr12-40697917-C-G.
Other names: short protein forms S1253C.
Identifiers: ClinVar variation 1734614 (VCV001734614.5), dbSNP rs765161995, ClinGen allele CA6513990.